The following is an entry in ClinVar:

ClinVar aggregate classification (germline): Uncertain significance. Review status: criteria provided, multiple submitters, no conflicts (2 of 4 stars). 3 submissions from 3 submitters: Uncertain significance (3). Last evaluated 2024-04-30.

Conditions:
Desmin-related myofibrillar myopathy (MFM1). Also called: MYOFIBRILLAR MYOPATHY WITH ARRHYTHMOGENIC RIGHT VENTRICULAR CARDIOMYOPATHY; DESMIN-RELATED MYOPATHY WITH ARRHYTHMOGENIC RIGHT VENTRICULAR CARDIOMYOPATHY; Myofibrillar myopathy 1; Desminopathy; Desmin related myopathy (former name); Desmin storage myopathy (former name). Identifiers: Orphanet 363543, Orphanet 98909, MedGen C1832370, MONDO:0011076, OMIM 601419.
Dilated cardiomyopathy 1I (CMD1I). Identifiers: Orphanet 154, MedGen C1858154, MONDO:0011482, OMIM 604765.
Neurogenic scapuloperoneal syndrome, Kaeser type (SCPNK). Also called: KAESER SYNDROME. Identifiers: Orphanet 85146, MedGen C1867005, MONDO:0008407, OMIM 181400.

Submissions (3):

Fulgent Genetics
Classification: Uncertain significance for Neurogenic scapuloperoneal syndrome, Kaeser type; Desmin-related myofibrillar myopathy; Dilated cardiomyopathy 1I. Last evaluated: 2024-04-30. Review status: criteria provided, single submitter. Criteria: ACMG Guidelines, 2015. Collection method: clinical testing. Allele origin: germline.

Women's Health and Genetics/Laboratory Corporation of America, LabCorp
Classification: Uncertain significance. Last evaluated: 2024-03-30. Review status: criteria provided, single submitter. Criteria: LabCorp Variant Classification Summary - May 2015. Collection method: clinical testing. Allele origin: germline.

Labcorp Genetics (formerly Invitae), Labcorp
Classification: Uncertain significance for Desmin-related myofibrillar myopathy. Last evaluated: 2022-08-16. Review status: criteria provided, single submitter. Criteria: Invitae Variant Classification Sherloc (09022015). Collection method: clinical testing. Allele origin: germline.
Comment: In summary, the available evidence is currently insufficient to determine the role of this variant in disease. Therefore, it has been classified as a Variant of Uncertain Significance. Algorithms developed to predict the effect of missense changes on protein structure and function are either unavailable or do not agree on the potential impact of this missense change (SIFT: "Deleterious"; PolyPhen-2: "Probably Damaging"; Align-GVGD: "Class C0"). ClinVar contains an entry for this variant (Variation ID: 1405099). This variant has not been reported in the literature in individuals affected with DES-related conditions. This variant is not present in population databases (gnomAD no frequency). This sequence change replaces threonine, which is neutral and polar, with arginine, which is basic and polar, at codon 104 of the DES protein (p.Thr104Arg).

NM_001927.4(DES):c.311C>G (p.Thr104Arg)

Gene: DES (desmin; plus strand). Cytogenetic location: 2q35.
Variant type: single nucleotide variant.
Coding change: c.311C>G on transcript NM_001927.4 (MANE Select); coding-DNA position 311, C replaced by G.
Protein change: p.Thr104Arg; replaces threonine 104 with arginine.
Molecular consequence: missense variant.
Genome position (GRCh38, 1-based): chr2:219,418,773, C>G. VCF-style: chr2-219418773-C-G. GRCh37 (hg19) VCF-style: chr2-220283495-C-G.
Other names: c.311C>G, p.Thr104Arg (NM_001382708.1, NM_001382709.1, NM_001382710.1 and 3 more transcripts); short protein forms T104R.
Identifiers: ClinVar variation 1405099 (VCV001405099.9), dbSNP rs980849177, ClinGen allele CA350685142.